The following is an entry in ClinVar:

NM_000049.4(ASPA):c.128_129insCC (p.Arg43fs)

Genes: ASPA (aspartoacylase; plus strand), SPATA22 (spermatogenesis associated 22; minus strand). Cytogenetic location: 17p13.2.
Variant type: Insertion.
Coding change: c.128_129insCC on transcript NM_000049.4 (MANE Select); coding-DNA positions 128 to 129, CC inserted.
Protein change: p.Arg43fs; shifts the reading frame from arginine 43.
Molecular consequence: frameshift variant. On other transcripts: intron variant (2).
Genome position: GRCh38 VCF-style: chr17-3476287-G-GCC. GRCh37 (hg19) VCF-style: chr17-3379581-G-GCC.
Other names: c.128_129insCC, p.Arg43fs (NM_001128085.1); c.-73-6890_-73-6889insGG (NM_001321336.2, NM_001321337.2); short protein forms R43fs.
Identifiers: ClinVar variation 4818380 (VCV004818380.1).

ClinVar aggregate classification (germline): Likely pathogenic (1 of 4 stars; one submission).

Conditions:
Spongy degeneration of central nervous system. Also called: ACY2 DEFICIENCY; AMINOACYLASE 2 DEFICIENCY; ASP DEFICIENCY; ASPA DEFICIENCY; ASPARTOACYLASE DEFICIENCY; CANAVAN-VAN BOGAERT-BERTRAND DISEASE. Identifiers: Orphanet 141, MedGen C0206307, MONDO:0010079, OMIM 271900.

Submission:

Natera, Inc.
Classification: Likely pathogenic for Canavan Disease. Last evaluated: 2024-06-24. Review status: criteria provided, single submitter. Criteria: Natera Variant Classification Schema (03/2026). Collection method: clinical testing. Allele origin: germline.
Comment: The c.128_129insCC variant in ASPA is a frameshift variant predicted to shift the reading frame beginning at codon 43 and leads to a stop codon 7 codons downstream. This variant is expected to result in nonsense mediated decay, truncation, or a dysfunctional protein product. This variant is rare in the general population with a frequency below the threshold expected for the associated phenotype(s). Given the available evidence, this variant is classified as Likely Pathogenic.